The following is an entry in ClinVar:

ClinVar aggregate classification (germline): Pathogenic (1 of 4 stars; one submission).

Conditions:
Hereditary cancer-predisposing syndrome. Also called: Neoplastic Syndromes, Hereditary; Tumor predisposition; Hereditary Cancer Syndrome; Hereditary neoplastic syndrome. Identifiers: Orphanet 140162, MedGen C0027672, MeSH D009386, MONDO:0015356.

Submission:

Ambry Genetics
Classification: Pathogenic for Hereditary cancer-predisposing syndrome. Last evaluated: 2016-11-03. Review status: criteria provided, single submitter. Criteria: Ambry Variant Classification Scheme 2023. Collection method: clinical testing. Allele origin: germline.
Comment: The p.E272* pathogenic mutation (also known as c.814G>T), located in coding exon 4 of the PALB2 gene, results from a G to T substitution at nucleotide position 814. This changes the amino acid from a glutamic acid to a stop codon within coding exon 4. This alteration is expected to result in loss of function by premature protein truncation or nonsense-mediated mRNA decay. As such, this alteration is interpreted as a disease-causing mutation.

NM_024675.4(PALB2):c.814G>T (p.Glu272Ter)

Gene: PALB2 (partner and localizer of BRCA2; minus strand). Cytogenetic location: 16p12.2.
Variant type: single nucleotide variant.
Coding change: c.814G>T on transcript NM_024675.4 (MANE Select); coding-DNA position 814, G replaced by T.
Protein change: p.Glu272Ter; replaces glutamic acid 272 with a stop codon.
Molecular consequence: nonsense.
Genome position (GRCh38, 1-based): chr16:23,635,732, C>A on the plus strand (G>T on the coding strand, the complement: PALB2 is on the minus strand). VCF-style: chr16-23635732-C-A. GRCh37 (hg19) VCF-style: chr16-23647053-C-A.
Other names: short protein forms E272*.
Identifiers: ClinVar variation 482043 (VCV000482043.5), dbSNP rs515726127, ClinGen allele CA395135986.